The following is an entry in ClinVar:

ClinVar aggregate classification (germline): Likely benign. Review status: criteria provided, multiple submitters, no conflicts (2 of 4 stars). 2 submissions from 2 submitters: Likely benign (2). Last evaluated 2025-07-01.

Submissions (2):

CeGaT Center for Human Genetics Tuebingen
Classification: Likely benign. Last evaluated: 2025-07-01. Review status: criteria provided, single submitter. Criteria: CeGaT Center For Human Genetics Tuebingen Variant Classification Criteria Version 2. Collection method: clinical testing. Allele origin: germline. Affected: yes. Observed: 1 variant allele.
Comment: CAMK2G: PM2:Supporting, BP4, BP7

Blueprint Genetics
Classification: Likely benign. Last evaluated: 2022-03-21. Review status: criteria provided, single submitter. Criteria: ACMG Guidelines, 2015. Collection method: clinical testing. Allele origin: germline.

NM_001367534.1(CAMK2G):c.1674G>A (p.Gln558=)

Gene: CAMK2G (calcium/calmodulin dependent protein kinase II gamma; minus strand). Cytogenetic location: 10q22.2.
Variant type: single nucleotide variant.
Coding change: c.1674G>A on transcript NM_001367534.1 (MANE Select); coding-DNA position 1674, G replaced by A.
Protein change: p.Gln558=; no amino-acid change (glutamine 558 retained).
Molecular consequence: synonymous variant. On other transcripts: non-coding transcript variant (8).
Genome position (GRCh38, 1-based): chr10:73,815,108, C>T on the plus strand (G>A on the coding strand, the complement: CAMK2G is on the minus strand). VCF-style: chr10-73815108-C-T. GRCh37 (hg19) VCF-style: chr10-75574866-C-T.
Other names: c.1527G>A, p.Gln509= (NM_001204492.2); c.1395G>A, p.Gln465= (NM_001222.4); c.1464G>A, p.Gln488= (NM_001367516.1, NM_001367517.1, NM_172170.5); c.1542G>A, p.Gln514= (NM_001367518.1); c.1554G>A, p.Gln518= (NM_001367525.1); c.1572G>A, p.Gln524= (NM_001367527.1); c.1428G>A, p.Gln476= (NM_001367530.1); c.1497G>A, p.Gln499= (NM_001367531.1); and 14 more.
Identifiers: ClinVar variation 4085380 (VCV004085380.9).